The following is an entry in ClinVar:

ClinVar aggregate classification (germline): Uncertain significance. Review status: criteria provided, multiple submitters, no conflicts (2 of 4 stars). 5 submissions from 5 submitters: Uncertain significance (5). Last evaluated 2026-01-26.

Conditions:
Cardiac arrhythmia. Also called: Cardiac rhythm disease; Arrhythmia. Identifiers: MedGen C0003811, MONDO:0007263, HP:0011675.
Cardiovascular phenotype. Identifiers: MedGen CN230736.
Long QT syndrome (LQTS). Identifiers: MedGen C0023976, MeSH D008133, MONDO:0002442. Disease mechanism: loss of function. Inheritance: Various modes of inheritance.

Allele frequency attached by ClinVar (database versions not stated): gnomAD exomes below 0.00001.
gnomAD v4.1: 1 of 1,614,200 alleles (0.000062%); highest among the groups gnomAD compares: Non-Finnish European, 0.000085%; no homozygotes.

Submissions (5):

Labcorp Genetics (formerly Invitae), Labcorp
Classification: Uncertain significance for Long QT syndrome. Last evaluated: 2026-01-26. Review status: criteria provided, single submitter. Criteria: Invitae Variant Classification Sherloc (09022015). Collection method: clinical testing. Allele origin: germline.
Comment: This sequence change replaces isoleucine, which is neutral and non-polar, with valine, which is neutral and non-polar, at codon 567 of the KCNH2 protein (p.Ile567Val). This variant is not present in population databases (gnomAD no frequency). This variant has not been reported in the literature in individuals affected with KCNH2-related conditions. ClinVar contains an entry for this variant (Variation ID: 3069907). An algorithm developed to predict the effect of missense changes on protein structure and function (PolyPhen-2) suggests that this variant is likely to be disruptive. In summary, the available evidence is currently insufficient to determine the role of this variant in disease. Therefore, it has been classified as a Variant of Uncertain Significance.

Women's Health and Genetics/Laboratory Corporation of America, LabCorp
Classification: Uncertain significance. Last evaluated: 2025-11-17. Review status: criteria provided, single submitter. Criteria: LabCorp Variant Classification Summary - May 2015. Collection method: clinical testing. Allele origin: germline.

Ambry Genetics
Classification: Uncertain significance for Cardiovascular phenotype. Last evaluated: 2025-11-13. Review status: criteria provided, single submitter. Criteria: Ambry Variant Classification Scheme 2023. Collection method: clinical testing. Allele origin: germline.
Comment: The p.I567V variant (also known as c.1699A>G), located in coding exon 7 of the KCNH2 gene, results from an A to G substitution at nucleotide position 1699. The isoleucine at codon 567 is replaced by valine, an amino acid with highly similar properties. This amino acid position is highly conserved in available vertebrate species. In addition, this alteration is predicted to be deleterious by in silico analysis. Based on the available evidence, the clinical significance of this variant remains unclear.

Color Diagnostics, LLC DBA Color Health
Classification: Uncertain significance for Cardiac arrhythmia. Last evaluated: 2025-06-04. Review status: criteria provided, single submitter. Criteria: ACMG Guidelines, 2015. Collection method: clinical testing. Allele origin: germline.
Comment: This missense variant replaces isoleucine with valine at codon 567 of the KCNH2 protein. Computational prediction suggests that this variant may have deleterious impact on protein structure and function. To our knowledge, functional studies have not been reported for this variant. This variant has not been reported in individuals affected with KCNH2-related disorders in the literature. This variant has not been identified in the general population by the Genome Aggregation Database (gnomAD). The available evidence is insufficient to determine the role of this variant in disease conclusively. Therefore, this variant is classified as a Variant of Uncertain Significance.

All of Us Research Program, National Institutes of Health
Classification: Uncertain significance for Long QT syndrome. Last evaluated: 2023-08-15. Review status: criteria provided, single submitter. Criteria: ACMG Guidelines, 2015. Collection method: clinical testing. Allele origin: germline. Inheritance: Autosomal dominant inheritance. Observed: 3 variant alleles, 3 heterozygotes.
Comment: This missense variant replaces isoleucine with valine at codon 567 of the KCNH2 protein. Computational prediction suggests that this variant may have deleterious impact on protein structure and function (internally defined REVEL score threshold >= 0.7, PMID: 27666373). To our knowledge, functional studies have not been reported for this variant. This variant has not been reported in individuals affected with KCNH2-related disorders in the literature. This variant has not been identified in the general population by the Genome Aggregation Database (gnomAD). The available evidence is insufficient to determine the role of this variant in disease conclusively. Therefore, this variant is classified as a Variant of Uncertain Significance.

This study involves interpretation of variants in research participants for the purpose of population health screening. Participant phenotype was not available at the time of variant classification. Additional details can be found in publication PMID: 35346344, PMCID: PMC8962531

NM_000238.4(KCNH2):c.1699A>G (p.Ile567Val)

Gene: KCNH2 (potassium voltage-gated channel subfamily H member 2; minus strand). Cytogenetic location: 7q36.1.
Variant type: single nucleotide variant.
Coding change: c.1699A>G on transcript NM_000238.4 (MANE Select); coding-DNA position 1699, A replaced by G.
Protein change: p.Ile567Val; replaces isoleucine 567 with valine.
Molecular consequence: missense variant. On other transcripts: non-coding transcript variant (2).
Genome position (GRCh38, 1-based): chr7:150,951,694, T>C on the plus strand (A>G on the coding strand, the complement: KCNH2 is on the minus strand). VCF-style: chr7-150951694-T-C. GRCh37 (hg19) VCF-style: chr7-150648782-T-C.
Other names: c.679A>G, p.Ile227Val (NM_001204798.2, NM_172057.3); c.1411A>G, p.Ile471Val (NM_001406753.1, NM_001406756.1); c.1522A>G, p.Ile508Val (NM_001406755.1); c.1399A>G, p.Ile467Val (NM_001406757.1); c.1699A>G, p.Ile567Val (NM_172056.3); short protein forms I227V, I467V, I471V, I508V, I567V.
Identifiers: ClinVar variation 3069907 (VCV003069907.5), dbSNP rs2486038710, ClinGen allele CA369858742.
Genomic context (GRCh38, chr7:150,951,694, plus strand): 5'-GCAGCCAGCCGATGCGTGAGTCCATGTGTGGCTGCTCCATGTTGCCGATGGCGTACCAGA[T>C]GCAGGCTAGCCAGTGCGCGATGAGCGCAAAGGTGCACATGAGCAAGAACAGCACGGCCGC-3'
Protein context (NP_000229.1, residues 557-577): FALIAHWLAC[Ile567Val]WYAIGNMEQP